The following is an entry in ClinVar:

NM_002025.4(AFF2):c.493A>G (p.Asn165Asp)

Gene: AFF2 (ALF transcription elongation factor 2; plus strand). Cytogenetic location: Xq28.
Variant type: single nucleotide variant.
Coding change: c.493A>G on transcript NM_002025.4 (MANE Select); coding-DNA position 493, A replaced by G.
Protein change: p.Asn165Asp; replaces asparagine 165 with aspartic acid.
Molecular consequence: missense variant.
Genome position (GRCh38, 1-based): chrX:148,662,220, A>G. VCF-style: chrX-148662220-A-G. GRCh37 (hg19) VCF-style: chrX-147743741-A-G.
Other names: c.481A>G, p.Asn161Asp (NM_001169122.2, NM_001169123.2, NM_001169125.2); c.493A>G, p.Asn165Asp (NM_001169124.2); short protein forms N165D, N161D.
Identifiers: ClinVar variation 128285 (VCV000128285.22), dbSNP rs142559324, ClinGen allele CA230855.
Genomic context (GRCh38, chrX:148,662,220, plus strand): 5'-AATTCAACTCTAATACACAGCAACAGAAAATCAAAACCTGAGTGGTCACGTGATAGTCAT[A>G]ACCCTAGCACTGTACTGGCAAGCCAGGCCAGTGGTCAGCCAAACAAGATGCAGACTTTGA-3'
Protein context (NP_002016.2, residues 155-175): SKPEWSRDSH[Asn165Asp]PSTVLASQAS

ClinVar aggregate classification (germline): Benign/Likely benign. Review status: criteria provided, multiple submitters, no conflicts (2 of 4 stars). 6 submissions from 6 submitters: Benign (1); Likely benign (3). 2 of the submissions do not count toward it. Last evaluated 2025-05-01.

Conditions:
Inborn genetic diseases. Identifiers: MedGen C0950123, MeSH D030342.

Allele frequency attached by ClinVar (database versions not stated): gnomAD exomes 0.00005 and 0.00027; ESP Exome Variant Server 0.00009; TOPMed 0.00025; gnomAD 0.00026 and 0.00031; ExAC 0.00031; 1000 Genomes Project 30x 0.00083; 1000 Genomes Project 0.00106.
gnomAD v4.1: 115 of 1,209,731 alleles (0.0095%); highest among the groups gnomAD compares: East Asian, 0.17%; no homozygotes.

Submissions (6):

CeGaT Center for Human Genetics Tuebingen
Classification: Likely benign. Last evaluated: 2025-05-01. Review status: criteria provided, single submitter. Criteria: CeGaT Center For Human Genetics Tuebingen Variant Classification Criteria Version 2. Collection method: clinical testing. Allele origin: germline. Affected: yes. Observed: 1 variant allele.
Comment: AFF2: BP4, BS2

Ambry Genetics
Classification: Likely benign for Inborn genetic diseases. Last evaluated: 2025-01-16. Review status: criteria provided, single submitter. Criteria: Ambry Variant Classification Scheme 2023. Collection method: clinical testing. Allele origin: germline.

Labcorp Genetics (formerly Invitae), Labcorp
Classification: Likely benign. Last evaluated: 2017-12-13. Review status: criteria provided, single submitter. Criteria: Invitae Variant Classification Sherloc (09022015). Collection method: clinical testing. Allele origin: germline.

Genetic Services Laboratory, University of Chicago
Classification: Benign. Last evaluated: 2017-01-11. Review status: criteria provided, single submitter. Criteria: ACMG Guidelines, 2015. Collection method: clinical testing. Allele origin: germline. Affected: no.

Clinical Genetics DNA and cytogenetics Diagnostics Lab, Erasmus MC, Erasmus Medical Center
Classification: Likely benign. Review status: no assertion criteria provided. Collection method: clinical testing. Allele origin: germline. Affected: yes. Study: VKGL Data-share Consensus. Not counted in ClinVar's aggregate classification.

Laboratory of Diagnostic Genome Analysis, Leiden University Medical Center (LUMC)
Classification: Likely benign. Review status: no assertion criteria provided. Collection method: clinical testing. Allele origin: germline. Affected: yes. Study: VKGL Data-share Consensus. Not counted in ClinVar's aggregate classification.